The following is an entry in ClinVar:

NM_000053.4(ATP7B):c.998G>A (p.Gly333Glu)

Gene: ATP7B (ATPase copper transporting beta; minus strand). Cytogenetic location: 13q14.3.
Variant type: single nucleotide variant.
Coding change: c.998G>A on transcript NM_000053.4 (MANE Select); coding-DNA position 998, G replaced by A.
Protein change: p.Gly333Glu; replaces glycine 333 with glutamic acid.
Molecular consequence: missense variant. On other transcripts: intron variant (1).
Genome position (GRCh38, 1-based): chr13:51,974,222, C>T on the plus strand (G>A on the coding strand, the complement: ATP7B is on the minus strand). VCF-style: chr13-51974222-C-T. GRCh37 (hg19) VCF-style: chr13-52548358-C-T.
Other names: p.Gly333Glu; c.998G>A, p.Gly333Glu (NM_001406546.1, NM_001406547.1, NM_001406548.1 and 29 more transcripts); c.803-138G>A (NM_001243182.2); c.902G>A, p.Gly301Glu (NM_001406543.1, NM_001406544.1, NM_001406517.1 and 3 more transcripts); short protein forms G333E, G301E.
Identifiers: ClinVar variation 2070655 (VCV002070655.4), dbSNP rs768052773, ClinGen allele CA6989457.

ClinVar aggregate classification (germline): Uncertain significance. Review status: criteria provided, multiple submitters, no conflicts (2 of 4 stars). 3 submissions from 3 submitters: Uncertain significance (3). Last evaluated 2024-10-21.

Conditions:
Wilson disease (WND). Also called: Wilson's disease. Identifiers: Orphanet 905, MedGen C0019202, MONDO:0010200, OMIM 277900. Disease mechanism: loss of function.

Allele frequency attached by ClinVar (database versions not stated): gnomAD exomes 0.00001; TOPMed 0.00001; ExAC 0.00002.
gnomAD v4.1: 3 of 1,614,058 alleles (0.00019%); highest among the groups gnomAD compares: Admixed American, 0.005%; no homozygotes.

Submissions (3):

Labcorp Genetics (formerly Invitae), Labcorp
Classification: Uncertain significance for Wilson disease. Last evaluated: 2024-10-21. Review status: criteria provided, single submitter. Criteria: Invitae Variant Classification Sherloc (09022015). Collection method: clinical testing. Allele origin: germline.
Comment: This sequence change replaces glycine, which is neutral and non-polar, with glutamic acid, which is acidic and polar, at codon 333 of the ATP7B protein (p.Gly333Glu). This variant is present in population databases (rs768052773, gnomAD 0.009%). This variant has not been reported in the literature in individuals affected with ATP7B-related conditions. ClinVar contains an entry for this variant (Variation ID: 2070655). Invitae Evidence Modeling of protein sequence and biophysical properties (such as structural, functional, and spatial information, amino acid conservation, physicochemical variation, residue mobility, and thermodynamic stability) indicates that this missense variant is not expected to disrupt ATP7B protein function with a negative predictive value of 95%. In summary, the available evidence is currently insufficient to determine the role of this variant in disease. Therefore, it has been classified as a Variant of Uncertain Significance.

All of Us Research Program, National Institutes of Health
Classification: Uncertain significance for Wilson disease. Last evaluated: 2024-07-10. Review status: criteria provided, single submitter. Criteria: ACMG Guidelines, 2015. Collection method: clinical testing. Allele origin: germline. Inheritance: Autosomal recessive inheritance. Observed: 2 variant alleles, 2 heterozygotes.
Comment: This missense variant replaces glycine with glutamic acid at codon 333 of the ATP7B protein. Computational prediction suggests that this variant may not impact protein structure and function (internally defined REVEL score threshold <= 0.5, PMID: 27666373). To our knowledge, functional studies have not been reported for this variant. This variant has not been reported in individuals affected with ATP7B-related disorders in the literature. This variant has been identified in 3/249360 chromosomes in the general population by the Genome Aggregation Database (gnomAD). The available evidence is insufficient to determine the role of this variant in disease conclusively. Therefore, this variant is classified as a Variant of Uncertain Significance.

This study involves interpretation of variants in research participants for the purpose of population health screening. Participant phenotype was not available at the time of variant classification. Additional details can be found in publication PMID: 35346344, PMCID: PMC8962531

Mayo Clinic Laboratories, Mayo Clinic
Classification: Uncertain significance. Last evaluated: 2023-07-06. Review status: criteria provided, single submitter. Criteria: ACMG Guidelines, 2015. Collection method: clinical testing. Allele origin: germline. Observed: 1 variant allele.
Comment: BP4, PM2_moderate